The following is an entry in ClinVar:

ClinVar aggregate classification (germline): Uncertain significance. Review status: criteria provided, multiple submitters, no conflicts (2 of 4 stars). 2 submissions from 2 submitters: Uncertain significance (2). Last evaluated 2024-12-09.

Conditions:
Capillary malformation-arteriovenous malformation 1 (CMAVM1). Identifiers: Orphanet 137667, Orphanet 693907, MedGen C4747394, MONDO:0020783, OMIM 608354.
Capillary malformation-arteriovenous malformation syndrome. Also called: Capillary malformation-arteriovenous malformation. Identifiers: Orphanet 137667, MedGen C1842180, MONDO:0012016.

gnomAD v4.1: 3 of 1,611,826 alleles (0.00019%); highest among the groups gnomAD compares: African/African-American, 0.0013%; no homozygotes.

Submissions (2):

Clinical Genomics Laboratory, Washington University in St. Louis
Classification: Uncertain significance for Capillary malformation-arteriovenous malformation 1. Last evaluated: 2024-12-09. Review status: criteria provided, single submitter. Criteria: ACMG Guidelines, 2015. Collection method: clinical testing. Allele origin: germline.
Comment: A RASA1 c.1171C>T (p.Arg391Trp) variant was identified at a near heterozygous allelic fraction of 47.9%, a frequency which may be consistent with germline origin. This variant, to our knowledge, has not been reported in the medical literature. It is only observed on 3/1,611,826 alleles in the general population (gnomAD v.4.1.0), indicating it is not a common variant. Computational predictors indicate that the variant is damaging, evidence that correlates with impact to RASA1 function. Due to limited information, and based on ACMG/AMP guidelines for variant interpretation (Richards S et al., PMID: 25741868), the clinical significance of this variant is uncertain at this time.

Labcorp Genetics (formerly Invitae), Labcorp
Classification: Uncertain significance for Capillary malformation-arteriovenous malformation syndrome. Last evaluated: 2024-08-20. Review status: criteria provided, single submitter. Criteria: Invitae Variant Classification Sherloc (09022015). Collection method: clinical testing. Allele origin: germline.
Comment: This sequence change replaces arginine, which is basic and polar, with tryptophan, which is neutral and slightly polar, at codon 391 of the RASA1 protein (p.Arg391Trp). This variant is present in population databases (no rsID available, gnomAD 0.0009%). This variant has not been reported in the literature in individuals affected with RASA1-related conditions. An algorithm developed to predict the effect of missense changes on protein structure and function (PolyPhen-2) suggests that this variant is likely to be disruptive. In summary, the available evidence is currently insufficient to determine the role of this variant in disease. Therefore, it has been classified as a Variant of Uncertain Significance.

NM_002890.3(RASA1):c.1171C>T (p.Arg391Trp)

Genes: CCNH (cyclin H; minus strand), RASA1 (RAS p21 protein activator 1; plus strand). Cytogenetic location: 5q14.3.
Variant type: single nucleotide variant.
Coding change: c.1171C>T on transcript NM_002890.3 (MANE Select); coding-DNA position 1171, C replaced by T.
Protein change: p.Arg391Trp; replaces arginine 391 with tryptophan.
Molecular consequence: missense variant. On other transcripts: intron variant (1).
Genome position (GRCh38, 1-based): chr5:87,349,282, C>T. VCF-style: chr5-87349282-C-T. GRCh37 (hg19) VCF-style: chr5-86645099-C-T.
Other names: c.640C>T, p.Arg214Trp (NM_022650.3); c.934-36487G>A (NM_001364075.2); short protein forms R214W, R391W.
Identifiers: ClinVar variation 3600483 (VCV003600483.3).